The following is an entry in ClinVar:

ClinVar aggregate classification (germline): Uncertain significance (1 of 4 stars; one submission).

gnomAD v4.1: 5 of 1,538,174 alleles (0.00033%); highest among the groups gnomAD compares: African/African-American, 0.0014%; no homozygotes.

Submission:

Labcorp Genetics (formerly Invitae), Labcorp
Classification: Uncertain significance. Last evaluated: 2025-03-01. Review status: criteria provided, single submitter. Criteria: Invitae Variant Classification Sherloc (09022015). Collection method: clinical testing. Allele origin: germline.
Comment: This sequence change replaces histidine, which is basic and polar, with proline, which is neutral and non-polar, at codon 99 of the ARID1B protein (p.His99Pro). The frequency data for this variant in the population databases is considered unreliable, as metrics indicate poor data quality at this position in the gnomAD database. This variant has not been reported in the literature in individuals affected with ARID1B-related conditions. ClinVar contains an entry for this variant (Variation ID: 2907579). Invitae Evidence Modeling of protein sequence and biophysical properties (such as structural, functional, and spatial information, amino acid conservation, physicochemical variation, residue mobility, and thermodynamic stability) indicates that this missense variant is not expected to disrupt ARID1B protein function with a negative predictive value of 95%. In summary, the available evidence is currently insufficient to determine the role of this variant in disease. Therefore, it has been classified as a Variant of Uncertain Significance.

NM_001374828.1(ARID1B):c.545A>C (p.His182Pro)

Genes: ARID1B (AT-rich interaction domain 1B; plus strand), LOC115308161 (uncharacterized LOC115308161; minus strand). Cytogenetic location: 6q25.3.
Variant type: single nucleotide variant.
Coding change: c.545A>C on transcript NM_001374828.1 (MANE Select); coding-DNA position 545, A replaced by C.
Protein change: p.His182Pro; replaces histidine 182 with proline.
Molecular consequence: missense variant.
Genome position (GRCh38, 1-based): chr6:156,778,225, A>C. VCF-style: chr6-156778225-A-C. GRCh37 (hg19) VCF-style: chr6-157099359-A-C.
Other names: c.296A>C, p.His99Pro (NM_001346813.1, NM_020732.3); c.545A>C, p.His182Pro (NM_001371656.1, NM_001374820.1, NM_017519.3); c.122A>C, p.His41Pro (NM_175863.2); short protein forms H41P, H99P, H182P.
Identifiers: ClinVar variation 2907579 (VCV002907579.3), dbSNP rs1188660877, ClinGen allele CA366381549.